The following is an entry in ClinVar:

ClinVar aggregate classification (germline): Uncertain significance (1 of 4 stars; one submission).

gnomAD v4.1: 1 of 1,613,796 alleles (0.000062%); highest among the groups gnomAD compares: Non-Finnish European, 0.000085%; no homozygotes.

Submission:

Laboratory for Molecular Medicine, Mass General Brigham Personalized Medicine
Classification: Uncertain significance. Last evaluated: 2017-06-20. Review status: criteria provided, single submitter. Criteria: LMM Criteria. Collection method: clinical testing. Allele origin: germline. Observed: 1 variant allele.
Comment: The p.Pro1472Gln variant in STRC has not been previously reported in individuals with hearing loss or in large population studies. Computational prediction tool s and conservation analysis suggest that the p.Pro1472Gln variant may impact the protein, though this information is not predictive enough to determine pathogen icity. In summary, the clinical significance of the p.Pro1472Gln variant is unce rtain.

NM_153700.2(STRC):c.4415C>A (p.Pro1472Gln)

Gene: STRC (stereocilin; minus strand). Cytogenetic location: 15q15.3.
Variant type: single nucleotide variant.
Coding change: c.4415C>A on transcript NM_153700.2 (MANE Select); coding-DNA position 4415, C replaced by A.
Protein change: p.Pro1472Gln; replaces proline 1472 with glutamine.
Molecular consequence: missense variant.
Genome position (GRCh38, 1-based): chr15:43,603,372, G>T on the plus strand (C>A on the coding strand, the complement: STRC is on the minus strand). VCF-style: chr15-43603372-G-T. GRCh37 (hg19) VCF-style: chr15-43895570-G-T.
Other names: short protein forms P1472Q.
Identifiers: ClinVar variation 517438 (VCV000517438.5), dbSNP rs144622511, ClinGen allele CA392166679.